The following is an entry in ClinVar:

NM_001077350.3(NPRL3):c.1505C>T (p.Pro502Leu)

Genes: HBA-LCR (alpha-globin locus control region; plus strand), NPRL3 (NPR3 like, GATOR1 complex subunit; minus strand). Cytogenetic location: 16p13.3.
Variant type: single nucleotide variant.
Coding change: c.1505C>T on transcript NM_001077350.3 (MANE Select); coding-DNA position 1505, C replaced by T.
Protein change: p.Pro502Leu; replaces proline 502 with leucine.
Molecular consequence: missense variant.
Genome position (GRCh38, 1-based): chr16:88,737, G>A on the plus strand (C>T on the coding strand, the complement: NPRL3 is on the minus strand). VCF-style: chr16-88737-G-A. GRCh37 (hg19) VCF-style: chr16-138736-G-A.
Other names: c.968C>T, p.Pro323Leu (NM_001039476.3); c.1271C>T, p.Pro424Leu (NM_001243247.2); c.1430C>T, p.Pro477Leu (NM_001243248.2, NM_001243249.2); short protein forms P323L, P477L, P502L, P424L.
Identifiers: ClinVar variation 2860852 (VCV002860852.3), dbSNP rs2542798893, ClinGen allele CA394048364.
Genomic context (GRCh38, chr16:88,737, plus strand): 5'-AACGGGTCAACCTACACCCACCTGGCAAACATGCGGAGGTCCTCAGGGTTCTGGGCTGCG[G>A]GTACACTGAGGATGGCTGCGCGTTCATGCTCCGACAGGCTGGCCAGCAGGTTCTCCGTCA-3'
Protein context (NP_001070818.1, residues 492-512): EHERAAILSV[Pro502Leu]AAQNPEDLRM

ClinVar aggregate classification (germline): Uncertain significance (1 of 4 stars; one submission).

Conditions:
Epilepsy, familial focal, with variable foci 3 (FFEVF3). Identifiers: MedGen C4310708, MONDO:0014925, OMIM 617118.

Submission:

Labcorp Genetics (formerly Invitae), Labcorp
Classification: Uncertain significance for Epilepsy, familial focal, with variable foci 3. Last evaluated: 2023-04-30. Review status: criteria provided, single submitter. Criteria: Invitae Variant Classification Sherloc (09022015). Collection method: clinical testing. Allele origin: germline.
Comment: This sequence change replaces proline, which is neutral and non-polar, with leucine, which is neutral and non-polar, at codon 502 of the NPRL3 protein (p.Pro502Leu). This variant is not present in population databases (gnomAD no frequency). This variant has not been reported in the literature in individuals affected with NPRL3-related conditions. Advanced modeling of protein sequence and biophysical properties (such as structural, functional, and spatial information, amino acid conservation, physicochemical variation, residue mobility, and thermodynamic stability) performed at Invitae indicates that this missense variant is not expected to disrupt NPRL3 protein function. In summary, the available evidence is currently insufficient to determine the role of this variant in disease. Therefore, it has been classified as a Variant of Uncertain Significance.